The following is an entry in ClinVar:

ClinVar aggregate classification (germline): Uncertain significance (1 of 4 stars; one submission).

Conditions:
Familial thoracic aortic aneurysm and aortic dissection (TAAD). Also called: Thoracic aortic aneurysms and dissections. Identifiers: Orphanet 91387, MedGen C4707243, MONDO:0019625.

Submission:

Ambry Genetics
Classification: Uncertain significance for Familial thoracic aortic aneurysm and aortic dissection. Last evaluated: 2025-10-05. Review status: criteria provided, single submitter. Criteria: Ambry Variant Classification Scheme 2023. Collection method: clinical testing. Allele origin: germline.
Comment: The p.P527T variant (also known as c.1579C>A), located in coding exon 14 of the PLOD1 gene, results from a C to A substitution at nucleotide position 1579. The proline at codon 527 is replaced by threonine, an amino acid with highly similar properties. This amino acid position is conserved. In addition, this alteration is predicted to be deleterious by in silico analysis. Based on the available evidence, the clinical significance of this variant remains unclear.

NM_000302.4(PLOD1):c.1579C>A (p.Pro527Thr)

Gene: PLOD1 (procollagen-lysine,2-oxoglutarate 5-dioxygenase 1; plus strand). Cytogenetic location: 1p36.22.
Variant type: single nucleotide variant.
Coding change: c.1579C>A on transcript NM_000302.4 (MANE Select); coding-DNA position 1579, C replaced by A.
Protein change: p.Pro527Thr; replaces proline 527 with threonine.
Molecular consequence: missense variant.
Genome position (GRCh38, 1-based): chr1:11,965,588, C>A. VCF-style: chr1-11965588-C-A. GRCh37 (hg19) VCF-style: chr1-12025645-C-A.
Other names: c.1720C>A, p.Pro574Thr (NM_001316320.2); short protein forms P574T, P527T.
Identifiers: ClinVar variation 4635506 (VCV004635506.1).